The following is an entry in ClinVar:

NM_000404.4(GLB1):c.569G>T (p.Gly190Val)

Gene: GLB1 (galactosidase beta 1; minus strand). Cytogenetic location: 3p22.3.
Variant type: single nucleotide variant.
Coding change: c.569G>T on transcript NM_000404.4 (MANE Select); coding-DNA position 569, G replaced by T.
Protein change: p.Gly190Val; replaces glycine 190 with valine.
Molecular consequence: missense variant. On other transcripts: intron variant (1).
Genome position (GRCh38, 1-based): chr3:33,058,253, C>A on the plus strand (G>T on the coding strand, the complement: GLB1 is on the minus strand). VCF-style: chr3-33058253-C-A. GRCh37 (hg19) VCF-style: chr3-33099745-C-A.
Other names: p.Gly190Val; c.479G>T, p.Gly160Val (NM_001079811.3); c.713G>T, p.Gly238Val (NM_001317040.2); c.569G>T, p.Gly190Val (NM_001393580.1); c.341-4704G>T (NM_001135602.3); short protein forms G160V, G190V, G238V.
Identifiers: ClinVar variation 1710133 (VCV001710133.3), dbSNP rs756575833, ClinGen allele CA352004852.

ClinVar aggregate classification (germline): Likely pathogenic (1 of 4 stars; one submission).

Conditions:
Infantile GM1 gangliosidosis. Also called: GM1-gangliosidosis, type I; Gangliosidosis, generalized GM1, infantile form; GLB1 deficiency; GM1 gangliosidosis type 1; Gangliosidosis, Generalized GM1, Type 1. Identifiers: Orphanet 354, Orphanet 79255, MedGen C0268271, MONDO:0009260, OMIM 230500.

Submission:

Foundation for Research in Genetics and Endocrinology, FRIGE's Institute of Human Genetics
Classification: Likely pathogenic for Infantile GM1 gangliosidosis. Last evaluated: 2022-08-08. Review status: criteria provided, single submitter. Criteria: ACMG Guidelines, 2015. Collection method: clinical testing. Allele origin: germline. Inheritance: Autosomal recessive inheritance. Affected: yes.
Comment: A homozygous missense variation in exon 6 of the gene GLB1 that results in the amino acid substitution of Valine for Glycine at codon 190 was detected. The observed variant c.569G>T (p.Gly190Val) has not been reported in the 1000 genomes and gnomAD databases . The in silico prediction of the variant are possibly damaging by Mutation Taster, LRT and SIFT. The reference codon is conserved across species. Therefore, the variant meets our criteria to be classified as pathogenic based on absence from controls and in silico prediction models.